The following is an entry in ClinVar:

ClinVar aggregate classification (germline): Benign. Review status: criteria provided, multiple submitters, no conflicts (2 of 4 stars). 3 submissions from 3 submitters: Benign (3). Last evaluated 2026-02-01.

Conditions:
UBE3B-related disorder. Also called: UBE3B-related condition.

Allele frequency attached by ClinVar (database versions not stated): gnomAD exomes 0.00138 and 0.00381; ExAC 0.00461; 1000 Genomes Project 0.01478; gnomAD 0.01494 and 0.01617; 1000 Genomes Project 30x 0.01515; TOPMed 0.01731; ESP Exome Variant Server 0.01884.
gnomAD v4.1: 4,375 of 1,613,598 alleles (0.27%); highest among the groups gnomAD compares: African/African-American, 5.3%; 115 homozygotes.

Submissions (32):

Labcorp Genetics (formerly Invitae), Labcorp
Classification: Benign. Last evaluated: 2026-02-01. Review status: criteria provided, single submitter. Criteria: Invitae Variant Classification Sherloc (09022015). Collection method: clinical testing. Allele origin: germline.

PreventionGenetics, part of Exact Sciences
Classification: Benign for UBE3B-related condition. Last evaluated: 2025-02-10. Review status: criteria provided, single submitter. Criteria: ACMG Guidelines, 2015. Collection method: clinical testing. Allele origin: germline.
Comment: This variant is classified as benign based on ACMG/AMP sequence variant interpretation guidelines (Richards et al. 2015 PMID: 25741868, with internal and published modifications).

Breakthrough Genomics
Classification: Benign. Review status: criteria provided, single submitter. Criteria: ACMG Guidelines, 2015. Collection method: not provided. Allele origin: germline. Inheritance: Autosomal recessive inheritance. Affected: yes.

Dr. Peter K. Rogan Lab, Western University
No classification provided (evidence only). Condition: Clear cell carcinoma of kidney. Review status: no classification provided. Collection method: in vitro. Allele origin: not applicable. Functional consequence: retained intron. Not counted in ClinVar's aggregate classification.

Dr. Peter K. Rogan Lab, Western University
No classification provided (evidence only). Condition: Clear cell carcinoma of kidney. Review status: no classification provided. Collection method: in vitro. Allele origin: not applicable. Functional consequence: retained intron. Not counted in ClinVar's aggregate classification.

Dr. Peter K. Rogan Lab, Western University
No classification provided (evidence only). Condition: Lung cancer. Review status: no classification provided. Collection method: in vitro. Allele origin: not applicable. Functional consequence: retained intron. Not counted in ClinVar's aggregate classification.

Dr. Peter K. Rogan Lab, Western University
No classification provided (evidence only). Condition: Lung cancer. Review status: no classification provided. Collection method: in vitro. Allele origin: not applicable. Functional consequence: retained intron. Not counted in ClinVar's aggregate classification.

Dr. Peter K. Rogan Lab, Western University
No classification provided (evidence only). Condition: Melanoma. Review status: no classification provided. Collection method: in vitro. Allele origin: not applicable. Functional consequence: retained intron. Not counted in ClinVar's aggregate classification.

Dr. Peter K. Rogan Lab, Western University
No classification provided (evidence only). Condition: Acute myeloid leukemia. Review status: no classification provided. Collection method: in vitro. Allele origin: not applicable. Functional consequence: skipped exon. Not counted in ClinVar's aggregate classification.

Dr. Peter K. Rogan Lab, Western University
No classification provided (evidence only). Condition: Acute myeloid leukemia. Review status: no classification provided. Collection method: in vitro. Allele origin: not applicable. Functional consequence: skipped exon. Not counted in ClinVar's aggregate classification.

Dr. Peter K. Rogan Lab, Western University
No classification provided (evidence only). Condition: Colon adenocarcinoma. Review status: no classification provided. Collection method: in vitro. Allele origin: not applicable. Functional consequence: retained intron. Not counted in ClinVar's aggregate classification.

Dr. Peter K. Rogan Lab, Western University
No classification provided (evidence only). Condition: Thyroid cancer, nonmedullary, 1. Review status: no classification provided. Collection method: in vitro. Allele origin: not applicable. Functional consequence: retained intron. Not counted in ClinVar's aggregate classification.

Dr. Peter K. Rogan Lab, Western University
No classification provided (evidence only). Condition: Thyroid cancer, nonmedullary, 1. Review status: no classification provided. Collection method: in vitro. Allele origin: not applicable. Functional consequence: retained intron. Not counted in ClinVar's aggregate classification.

Dr. Peter K. Rogan Lab, Western University
No classification provided (evidence only). Condition: Thyroid cancer, nonmedullary, 1. Review status: no classification provided. Collection method: in vitro. Allele origin: not applicable. Functional consequence: retained intron. Not counted in ClinVar's aggregate classification.

Dr. Peter K. Rogan Lab, Western University
No classification provided (evidence only). Condition: Uterine corpus endometrial carcinoma. Review status: no classification provided. Collection method: in vitro. Allele origin: not applicable. Functional consequence: retained intron. Not counted in ClinVar's aggregate classification.

Dr. Peter K. Rogan Lab, Western University
No classification provided (evidence only). Condition: Uterine corpus endometrial carcinoma. Review status: no classification provided. Collection method: in vitro. Allele origin: not applicable. Functional consequence: retained intron. Not counted in ClinVar's aggregate classification.

Dr. Peter K. Rogan Lab, Western University
No classification provided (evidence only). Condition: Uterine corpus endometrial carcinoma. Review status: no classification provided. Collection method: in vitro. Allele origin: not applicable. Functional consequence: retained intron. Not counted in ClinVar's aggregate classification.

Dr. Peter K. Rogan Lab, Western University
No classification provided (evidence only). Condition: Uterine corpus endometrial carcinoma. Review status: no classification provided. Collection method: in vitro. Allele origin: not applicable. Functional consequence: retained intron. Not counted in ClinVar's aggregate classification.

Dr. Peter K. Rogan Lab, Western University
No classification provided (evidence only). Condition: Cervical cancer. Review status: no classification provided. Collection method: in vitro. Allele origin: not applicable. Functional consequence: retained intron. Not counted in ClinVar's aggregate classification.

Dr. Peter K. Rogan Lab, Western University
No classification provided (evidence only). Condition: Sarcoma. Review status: no classification provided. Collection method: in vitro. Allele origin: not applicable. Functional consequence: retained intron. Not counted in ClinVar's aggregate classification.

Dr. Peter K. Rogan Lab, Western University
No classification provided (evidence only). Condition: Sarcoma. Review status: no classification provided. Collection method: in vitro. Allele origin: not applicable. Functional consequence: retained intron. Not counted in ClinVar's aggregate classification.

Dr. Peter K. Rogan Lab, Western University
No classification provided (evidence only). Condition: Hepatocellular carcinoma. Review status: no classification provided. Collection method: in vitro. Allele origin: not applicable. Functional consequence: retained intron. Not counted in ClinVar's aggregate classification.

Dr. Peter K. Rogan Lab, Western University
No classification provided (evidence only). Condition: Hepatocellular carcinoma. Review status: no classification provided. Collection method: in vitro. Allele origin: not applicable. Functional consequence: retained intron. Not counted in ClinVar's aggregate classification.

Dr. Peter K. Rogan Lab, Western University
No classification provided (evidence only). Condition: Hepatocellular carcinoma. Review status: no classification provided. Collection method: in vitro. Allele origin: not applicable. Functional consequence: retained intron. Not counted in ClinVar's aggregate classification.

Dr. Peter K. Rogan Lab, Western University
No classification provided (evidence only). Condition: Hepatocellular carcinoma. Review status: no classification provided. Collection method: in vitro. Allele origin: not applicable. Functional consequence: retained intron. Not counted in ClinVar's aggregate classification.

Dr. Peter K. Rogan Lab, Western University
No classification provided (evidence only). Condition: Ovarian serous cystadenocarcinoma. Review status: no classification provided. Collection method: in vitro. Allele origin: not applicable. Functional consequence: retained intron. Not counted in ClinVar's aggregate classification.

Dr. Peter K. Rogan Lab, Western University
No classification provided (evidence only). Condition: Ovarian serous cystadenocarcinoma. Review status: no classification provided. Collection method: in vitro. Allele origin: not applicable. Functional consequence: retained intron. Not counted in ClinVar's aggregate classification.

Dr. Peter K. Rogan Lab, Western University
No classification provided (evidence only). Condition: Ovarian serous cystadenocarcinoma. Review status: no classification provided. Collection method: in vitro. Allele origin: not applicable. Functional consequence: retained intron. Not counted in ClinVar's aggregate classification.

Dr. Peter K. Rogan Lab, Western University
No classification provided (evidence only). Condition: Gastric cancer. Review status: no classification provided. Collection method: in vitro. Allele origin: not applicable. Functional consequence: retained intron. Not counted in ClinVar's aggregate classification.

Dr. Peter K. Rogan Lab, Western University
No classification provided (evidence only). Condition: Gastric cancer. Review status: no classification provided. Collection method: in vitro. Allele origin: not applicable. Functional consequence: retained intron. Not counted in ClinVar's aggregate classification.

Dr. Peter K. Rogan Lab, Western University
No classification provided (evidence only). Condition: Gastric cancer. Review status: no classification provided. Collection method: in vitro. Allele origin: not applicable. Functional consequence: retained intron. Not counted in ClinVar's aggregate classification.

Dr. Peter K. Rogan Lab, Western University
No classification provided (evidence only). Condition: Gastric cancer. Review status: no classification provided. Collection method: in vitro. Allele origin: not applicable. Functional consequence: retained intron. Not counted in ClinVar's aggregate classification.

NM_130466.4(UBE3B):c.2778C>T (p.Gly926=)

Gene: UBE3B (ubiquitin protein ligase E3B; plus strand). Cytogenetic location: 12q24.11.
Variant type: single nucleotide variant.
Coding change: c.2778C>T on transcript NM_130466.4 (MANE Select); coding-DNA position 2778, C replaced by T.
Protein change: p.Gly926=; no amino-acid change (glycine 926 retained).
Molecular consequence: synonymous variant.
Genome position (GRCh38, 1-based): chr12:109,530,040, C>T. VCF-style: chr12-109530040-C-T. GRCh37 (hg19) VCF-style: chr12-109967845-C-T.
Other names: c.2778C>T, p.Gly926= (NM_183415.3).
Identifiers: ClinVar variation 702050 (VCV000702050.13), dbSNP rs61733773, ClinGen allele CA6778312.
Genomic context (GRCh38, chr12:109,530,040, plus strand): 5'-TATCAAACCCGAGTGGATCCGAATGTTCTCAACTCCTGAACTGCAGCGTCTCATCTCTGG[C>T]GACAATGCTGAGATTGATCTGGAAGATTTAAAGTAAGAGGCGGGTGGGGGGAAGGGTGAA-3'
Protein context (NP_569733.2, residues 916-936): STPELQRLIS[Gly926=]DNAEIDLEDL